The following is an entry in ClinVar:

ClinVar aggregate classification (germline): Conflicting classifications of pathogenicity. Review status: criteria provided, conflicting classifications (1 of 4 stars). 4 submissions from 4 submitters: Likely pathogenic (1); Uncertain significance (2). 1 of the submissions does not count toward it. Last evaluated 2026-03-01.

Conditions:
Neural tube defects, folate-sensitive (NTDFS). Also called: NTD, FOLATE-SENSITIVE. Identifiers: Orphanet 823, MedGen C1866558, MONDO:0011120, OMIM 601634.
Methylcobalamin deficiency type cblG (HMAG). Also called: HOMOCYSTINURIA-MEGALOBLASTIC ANEMIA, cblG COMPLEMENTATION TYPE; HOMOCYSTINURIA-MEGALOBLASTIC ANEMIA DUE TO DEFECT IN COBALAMIN METABOLISM, cblG COMPLEMENTATION TYPE; Functional methionine synthase deficiency type cblG; HOMOCYSTINURIA-MEGALOBLASTIC ANEMIA, cblG TYPE. Identifiers: Orphanet 2170, Orphanet 622, MedGen C1855128, MONDO:0009609, OMIM 250940.

Allele frequency attached by ClinVar (database versions not stated): gnomAD 0.00001; TOPMed below 0.00001.
gnomAD v4.1: 5 of 1,611,226 alleles (0.00031%); highest among the groups gnomAD compares: Non-Finnish European, 0.00042%; no homozygotes.

Submissions (4):

CeGaT Center for Human Genetics Tuebingen
Classification: Uncertain significance. Last evaluated: 2026-03-01. Review status: criteria provided, single submitter. Criteria: CeGaT Center For Human Genetics Tuebingen Variant Classification Criteria Version 2. Collection method: clinical testing. Allele origin: germline. Affected: yes. Observed: 1 variant allele.
Comment: MTR: PM2, PM3:Supporting

Fulgent Genetics
Classification: Likely pathogenic for Methylcobalamin deficiency type cblG; Neural tube defects, folate-sensitive. Last evaluated: 2024-03-31. Review status: criteria provided, single submitter. Criteria: ACMG Guidelines, 2015. Collection method: clinical testing. Allele origin: germline.

Women's Health and Genetics/Laboratory Corporation of America, LabCorp
Classification: Uncertain significance. Last evaluated: 2024-03-29. Review status: criteria provided, single submitter. Criteria: LabCorp Variant Classification Summary - May 2015. Collection method: clinical testing. Allele origin: germline.
Comment: Variant summary: MTR c.1228G>C (p.Ala410Pro) results in a non-conservative amino acid change located in the Pterin-binding domain (IPR000489) of the encoded protein sequence. Five of five in-silico tools predict a damaging effect of the variant on protein function. The variant was absent in 251470 control chromosomes (gnomAD). The available data on variant occurrences in the general population are insufficient to allow any conclusion about variant significance. c.1228G>C has been reported in the literature in an individual affected with Methylcobalamin deficiency type cblG (Watkins_2002). These data do not allow any conclusion about variant significance. To our knowledge, no experimental evidence demonstrating an impact on protein function has been reported. The following publication has been ascertained in the context of this evaluation (PMID: 12068375). ClinVar contains an entry for this variant (Variation ID: 14288). Based on the evidence outlined above, the variant was classified as uncertain significance.

OMIM
Classification: Pathogenic for HOMOCYSTINURIA-MEGALOBLASTIC ANEMIA, cblG COMPLEMENTATION TYPE. Last evaluated: 2002-07-01. Review status: no assertion criteria provided. Collection method: literature only. Allele origin: germline. Not counted in ClinVar's aggregate classification.

Literature cited by the submitters: PubMed 12068375 (cited by Women's Health and Genetics/Laboratory Corporation of America, LabCorp and OMIM).

NM_000254.3(MTR):c.1228G>C (p.Ala410Pro)

Gene: MTR (5-methyltetrahydrofolate-homocysteine methyltransferase; plus strand). Cytogenetic location: 1q43.
Variant type: single nucleotide variant.
Coding change: c.1228G>C on transcript NM_000254.3 (MANE Select); coding-DNA position 1228, G replaced by C.
Protein change: p.Ala410Pro; replaces alanine 410 with proline.
Molecular consequence: missense variant.
Genome position (GRCh38, 1-based): chr1:236,835,586, G>C. VCF-style: chr1-236835586-G-C. GRCh37 (hg19) VCF-style: chr1-236998886-G-C.
Other names: c.1228G>C, p.Ala410Pro (NM_001291939.1); c.7G>C, p.Ala3Pro (NM_001291940.2); short protein forms A410P, A3P.
Identifiers: ClinVar variation 14288 (VCV000014288.8), dbSNP rs121913582, ClinGen allele CA257202.